The following is an entry in ClinVar:

NM_014915.3(ANKRD26):c.4395A>G (p.Ile1465Met)

Gene: ANKRD26 (ankyrin repeat domain 26; minus strand). Cytogenetic location: 10p12.1.
Variant type: single nucleotide variant.
Coding change: c.4395A>G on transcript NM_014915.3 (MANE Select); coding-DNA position 4395, A replaced by G.
Protein change: p.Ile1465Met; replaces isoleucine 1465 with methionine.
Molecular consequence: missense variant.
Genome position (GRCh38, 1-based): chr10:27,017,613, T>C on the plus strand (A>G on the coding strand, the complement: ANKRD26 is on the minus strand). VCF-style: chr10-27017613-T-C. GRCh37 (hg19) VCF-style: chr10-27306542-T-C.
Other names: c.4392A>G, p.Ile1464Met (NM_001256053.2); short protein forms I1464M, I1465M.
Identifiers: ClinVar variation 3718549 (VCV003718549.3).
Genomic context (GRCh38, chr10:27,017,613, plus strand): 5'-TCTTTCTTCAATCTCCTGTTTATACTGTTTGACTTGACCAAGTTCTACCATATTCCTTTC[T>C]ATATGACTTCTCAGGTTGATCACTTCTTGTTCCAACTTCTTTTTATTCTTCTGTAGTTTT-3'
Protein context (NP_055730.2, residues 1455-1475): EQEVINLRSH[Ile1465Met]ERNMVELGQV

ClinVar aggregate classification (germline): Uncertain significance. Review status: criteria provided, multiple submitters, no conflicts (2 of 4 stars). 2 submissions from 2 submitters: Uncertain significance (2). Last evaluated 2025-05-09.

Conditions:
Inborn genetic diseases. Identifiers: MedGen C0950123, MeSH D030342.

gnomAD v4.1: 4 of 1,613,562 alleles (0.00025%); highest among the groups gnomAD compares: African/African-American, 0.004%; no homozygotes.

Submissions (2):

Ambry Genetics
Classification: Uncertain significance for Inborn genetic diseases. Last evaluated: 2025-05-09. Review status: criteria provided, single submitter. Criteria: Ambry Variant Classification Scheme 2023. Collection method: clinical testing. Allele origin: germline.
Comment: The p.I1465M variant (also known as c.4395A>G), located in coding exon 30 of the ANKRD26 gene, results from an A to G substitution at nucleotide position 4395. The isoleucine at codon 1465 is replaced by methionine, an amino acid with highly similar properties. This amino acid position is conserved. In addition, this alteration is predicted to be tolerated by in silico analysis. Based on the available evidence, the clinical significance of this variant remains unclear.

Labcorp Genetics (formerly Invitae), Labcorp
Classification: Uncertain significance. Last evaluated: 2025-01-23. Review status: criteria provided, single submitter. Criteria: Invitae Variant Classification Sherloc (09022015). Collection method: clinical testing. Allele origin: germline.
Comment: This sequence change replaces isoleucine, which is neutral and non-polar, with methionine, which is neutral and non-polar, at codon 1465 of the ANKRD26 protein (p.Ile1465Met). This variant is present in population databases (no rsID available, gnomAD no frequency). This variant has not been reported in the literature in individuals affected with ANKRD26-related conditions. An algorithm developed to predict the effect of missense changes on protein structure and function outputs the following: PolyPhen-2: "Benign". The methionine amino acid residue is found in multiple mammalian species, which suggests that this missense change does not adversely affect protein function. In summary, the available evidence is currently insufficient to determine the role of this variant in disease. Therefore, it has been classified as a Variant of Uncertain Significance.